The following is an entry in ClinVar:

ClinVar aggregate classification (germline): Pathogenic. Review status: criteria provided, multiple submitters, no conflicts (2 of 4 stars). 4 submissions from 4 submitters: Pathogenic (4). Last evaluated 2025-10-30.

Conditions:
LOXHD1-related disorder. Also called: LOXHD1-related condition.
Rare genetic deafness. Identifiers: Orphanet 96210, MedGen C5680250.
Autosomal recessive nonsyndromic hearing loss 77. Identifiers: Orphanet 90636, MedGen C2746083, MONDO:0013119, OMIM 613079.

Allele frequency attached by ClinVar (database versions not stated): gnomAD 0.00001; gnomAD exomes 0.00002 and 0.00004; TOPMed 0.00004.
gnomAD v4.1: 57 of 1,551,802 alleles (0.0037%); highest among the groups gnomAD compares: Non-Finnish European, 0.0046%; no homozygotes.

Submissions (4):

Natera, Inc.
Classification: Pathogenic for Autosomal recessive deafness type 77. Last evaluated: 2025-10-30. Review status: criteria provided, single submitter. Criteria: Natera Variant Classification Schema (03/2026). Collection method: clinical testing. Allele origin: germline.
Comment: The c.3169C>T variant in LOXHD1 is a nonsense variant predicted to introduce a stop codon at amino acid 1057. This variant is expected to result in nonsense mediated decay, truncation, or a dysfunctional protein product. This variant is rare in the general population with a frequency below the threshold expected for the associated phenotype(s). This variant has been observed in one or more individuals affected with the associated recessive disease, as either homozygous or compound heterozygous with a second variant (PMID: 29676012). Additionally, this variant has been observed to segregate in affected family members (PMID: 29676012). Given the available evidence, this variant is classified as Pathogenic.

Labcorp Genetics (formerly Invitae), Labcorp
Classification: Pathogenic. Last evaluated: 2025-08-12. Review status: criteria provided, single submitter. Criteria: Invitae Variant Classification Sherloc (09022015). Collection method: clinical testing. Allele origin: germline.
Comment: This sequence change creates a premature translational stop signal (p.Arg1057*) in the LOXHD1 gene. It is expected to result in an absent or disrupted protein product. Loss-of-function variants in LOXHD1 are known to be pathogenic (PMID: 19732867, 21465660, 25792669). This variant is present in population databases (rs727505104, gnomAD 0.006%). This premature translational stop signal has been observed in individual(s) with deafness (PMID: 29676012). In at least one individual the data is consistent with being in trans (on the opposite chromosome) from a pathogenic variant. It has also been observed to segregate with disease in related individuals. ClinVar contains an entry for this variant (Variation ID: 179755). For these reasons, this variant has been classified as Pathogenic.

Blueprint Genetics
Classification: Pathogenic for LOXHD1-related disorders. Last evaluated: 2021-10-13. Review status: criteria provided, single submitter. Criteria: ACMG Guidelines, 2015. Collection method: clinical testing. Allele origin: germline. Affected: yes. Observed: 2 variant alleles.

Laboratory for Molecular Medicine, Mass General Brigham Personalized Medicine
Classification: Pathogenic for Rare genetic deafness. Last evaluated: 2014-05-15. Review status: criteria provided, single submitter. Criteria: LMM Criteria. Collection method: clinical testing. Allele origin: germline. Inheritance: Autosomal recessive inheritance. Observed: 1 variant allele.
Comment: The Arg1057X variant in LOXHD1 has not been previously reported in individuals w ith hearing loss and was absent from large population studies. This nonsense var iant leads to a premature termination codon at position 1057, which is predicted to lead to a truncated or absent protein. Loss of function variants in the LOXH D1 gene have been previously reported to segregate in affected individuals from several families with autosomal recessive nonsyndromic hearing loss (Grillet 200 9, Edvardson 2011). In summary, this variant meets our criteria to be classified as pathogenic.

Literature cited by the submitters: PubMed 29676012 (cited by Natera, Inc. and Labcorp Genetics (formerly Invitae), Labcorp); PubMed 19732867 (cited by Labcorp Genetics (formerly Invitae), Labcorp and Laboratory for Molecular Medicine, Mass General Brigham Personalized Medicine); PubMed 21465660 (cited by Labcorp Genetics (formerly Invitae), Labcorp and Laboratory for Molecular Medicine, Mass General Brigham Personalized Medicine); PubMed 25792669 (cited by Labcorp Genetics (formerly Invitae), Labcorp).

NM_001384474.1(LOXHD1):c.3169C>T (p.Arg1057Ter)

Gene: LOXHD1 (lipoxygenase homology PLAT domains 1; minus strand). Cytogenetic location: 18q21.1.
Variant type: single nucleotide variant.
Coding change: c.3169C>T on transcript NM_001384474.1 (MANE Select); coding-DNA position 3169, C replaced by T.
Protein change: p.Arg1057Ter; replaces arginine 1057 with a stop codon.
Molecular consequence: nonsense.
Genome position (GRCh38, 1-based): chr18:46,559,495, G>A on the plus strand (C>T on the coding strand, the complement: LOXHD1 is on the minus strand). VCF-style: chr18-46559495-G-A. GRCh37 (hg19) VCF-style: chr18-44139458-G-A.
Other names: c.3169C>T, p.Arg1057Ter (NM_144612.7); short protein forms R1057*.
Identifiers: ClinVar variation 179755 (VCV000179755.14), dbSNP rs727505104, ClinGen allele CA273647.